The following is an entry in ClinVar:

ClinVar aggregate classification (germline): Uncertain significance (1 of 4 stars; one submission).

Conditions:
Cardiovascular phenotype. Identifiers: MedGen CN230736.

Allele frequency attached by ClinVar (database versions not stated): TOPMed below 0.00001.

Submission:

Ambry Genetics
Classification: Uncertain significance for Cardiovascular phenotype. Last evaluated: 2022-10-02. Review status: criteria provided, single submitter. Criteria: Ambry Variant Classification Scheme 2023. Collection method: clinical testing. Allele origin: germline.
Comment: The p.W461R variant (also known as c.1381T>C), located in coding exon 9 of the PCSK9 gene, results from a T to C substitution at nucleotide position 1381. The tryptophan at codon 461 is replaced by arginine, an amino acid with dissimilar properties. This amino acid position is conserved. In addition, the in silico prediction for this alteration is inconclusive. Since supporting evidence is limited at this time, the clinical significance of this alteration remains unclear.

NM_174936.4(PCSK9):c.1381T>C (p.Trp461Arg)

Gene: PCSK9 (proprotein convertase subtilisin/kexin type 9; plus strand). Cytogenetic location: 1p32.3.
Variant type: single nucleotide variant.
Coding change: c.1381T>C on transcript NM_174936.4 (MANE Select); coding-DNA position 1381, T replaced by C.
Protein change: p.Trp461Arg; replaces tryptophan 461 with arginine.
Molecular consequence: missense variant.
Genome position (GRCh38, 1-based): chr1:55,058,525, T>C. VCF-style: chr1-55058525-T-C. GRCh37 (hg19) VCF-style: chr1-55524198-T-C.
Other names: c.1504T>C, p.Trp502Arg (NM_001407240.1); c.1381T>C, p.Trp461Arg (NM_001407241.1); c.1384T>C, p.Trp462Arg (NM_001407242.1); c.1324T>C, p.Trp442Arg (NM_001407243.1); c.1207T>C, p.Trp403Arg (NM_001407244.1); c.1189T>C, p.Trp397Arg (NM_001407245.1); c.1006T>C, p.Trp336Arg (NM_001407246.1); short protein forms W403R, W442R, W462R, W502R, W336R, W461R, W397R.
Identifiers: ClinVar variation 1771307 (VCV001771307.2), dbSNP rs1324728334, ClinGen allele CA340478650.